The following is an entry in ClinVar:

ClinVar aggregate classification (germline): Uncertain significance (1 of 4 stars; one submission).

Conditions:
Hereditary nonpolyposis colorectal neoplasms. Identifiers: MedGen C0009405, MeSH D003123.

Submission:

Labcorp Genetics (formerly Invitae), Labcorp
Classification: Uncertain significance for Hereditary nonpolyposis colorectal neoplasms. Last evaluated: 2020-02-26. Review status: criteria provided, single submitter. Criteria: Invitae Variant Classification Sherloc (09022015). Collection method: clinical testing. Allele origin: germline.
Comment: This sequence change replaces isoleucine with phenylalanine at codon 26 of the PMS2 protein (p.Ile26Phe). The isoleucine residue is highly conserved and there is a small physicochemical difference between isoleucine and phenylalanine. This variant is not present in population databases (ExAC no frequency). In summary, the available evidence is currently insufficient to determine the role of this variant in disease. Therefore, it has been classified as a Variant of Uncertain Significance. Algorithms developed to predict the effect of missense changes on protein structure and function are either unavailable or do not agree on the potential impact of this missense change (SIFT: "Deleterious"; PolyPhen-2: "Probably Damaging"; Align-GVGD: "Class C15"). This variant has not been reported in the literature in individuals with PMS2-related conditions.

NM_000535.7(PMS2):c.76A>T (p.Ile26Phe)

Gene: PMS2 (PMS1 homolog 2, mismatch repair system component; minus strand). Cytogenetic location: 7p22.1.
Variant type: single nucleotide variant.
Coding change: c.76A>T on transcript NM_000535.7 (MANE Select); coding-DNA position 76, A replaced by T.
Protein change: p.Ile26Phe; replaces isoleucine 26 with phenylalanine.
Molecular consequence: missense variant. On other transcripts: 5 prime UTR variant (8), non-coding transcript variant (1), intron variant (3).
Genome position (GRCh38, 1-based): chr7:6,005,979, T>A on the plus strand (A>T on the coding strand, the complement: PMS2 is on the minus strand). VCF-style: chr7-6005979-T-A. GRCh37 (hg19) VCF-style: chr7-6045610-T-A.
Other names: c.-330A>T (NM_001322003.2, NM_001322005.2, NM_001322009.2 and 1 more transcripts); c.76A>T, p.Ile26Phe (NM_001322006.2, NM_001322014.2); c.-140A>T (NM_001322007.2); c.-809A>T (NM_001322011.2, NM_001322012.2); c.-409A>T (NM_001322015.2); c.-52-1921A>T (NM_001322008.2); c.-242-1921A>T (NM_001322010.2, NM_001322004.2); short protein forms I26F.
Identifiers: ClinVar variation 1017482 (VCV001017482.9), dbSNP rs1412094620, ClinGen allele CA366745106.